The following is an entry in ClinVar:

ClinVar aggregate classification (germline): Uncertain significance (1 of 4 stars; one submission).

Conditions:
Early Myoclonic Encephalopathy. Identifiers: MedGen C0270855.

gnomAD v4.1: 4 of 1,612,382 alleles (0.00025%); highest among the groups gnomAD compares: East Asian, 0.0067%; no homozygotes.

Submission:

Labcorp Genetics (formerly Invitae), Labcorp
Classification: Uncertain significance for Early Myoclonic Encephalopathy. Last evaluated: 2025-11-02. Review status: criteria provided, single submitter. Criteria: Invitae Variant Classification Sherloc (09022015). Collection method: clinical testing. Allele origin: germline.
Comment: This sequence change replaces glycine, which is neutral and non-polar, with arginine, which is basic and polar, at codon 621 of the KCND2 protein (p.Gly621Arg). This variant is not present in population databases (gnomAD no frequency). This variant has not been reported in the literature in individuals affected with KCND2-related conditions. Invitae Evidence Modeling of protein sequence and biophysical properties (such as structural, functional, and spatial information, amino acid conservation, physicochemical variation, residue mobility, and thermodynamic stability) indicates that this missense variant is not expected to disrupt KCND2 protein function with a negative predictive value of 95%. In summary, the available evidence is currently insufficient to determine the role of this variant in disease. Therefore, it has been classified as a Variant of Uncertain Significance.

NM_012281.3(KCND2):c.1861G>A (p.Gly621Arg)

Gene: KCND2 (potassium voltage-gated channel subfamily D member 2; plus strand). Cytogenetic location: 7q31.31.
Variant type: single nucleotide variant.
Coding change: c.1861G>A on transcript NM_012281.3 (MANE Select); coding-DNA position 1861, G replaced by A.
Protein change: p.Gly621Arg; replaces glycine 621 with arginine.
Molecular consequence: missense variant.
Genome position (GRCh38, 1-based): chr7:120,747,826, G>A. VCF-style: chr7-120747826-G-A. GRCh37 (hg19) VCF-style: chr7-120387880-G-A.
Other names: short protein forms G621R.
Identifiers: ClinVar variation 4759743 (VCV004759743.1).